The following is an entry in ClinVar:

ClinVar aggregate classification (germline): Pathogenic (1 of 4 stars; one submission).

Submission:

Labcorp Genetics (formerly Invitae), Labcorp
Classification: Pathogenic. Last evaluated: 2020-10-14. Review status: criteria provided, single submitter. Criteria: Invitae Variant Classification Sherloc (09022015). Collection method: clinical testing. Allele origin: germline.
Comment: For these reasons, this variant has been classified as Pathogenic. This variant has not been reported in the literature in individuals with VPS13A-related conditions. This variant is not present in population databases (ExAC no frequency). This sequence change creates a premature translational stop signal (p.Arg628Serfs*3) in the VPS13A gene. It is expected to result in an absent or disrupted protein product. Loss-of-function variants in VPS13A are known to be pathogenic (PMID: 12404112, 21598378).

Literature cited by the submitters: PubMed 12404112; PubMed 21598378.

NM_033305.3(VPS13A):c.1881dup (p.Arg628fs)

Gene: VPS13A (vacuolar protein sorting 13 homolog A; plus strand). Cytogenetic location: 9q21.2.
Variant type: Duplication.
Coding change: c.1881dup on transcript NM_033305.3 (MANE Select); coding-DNA position 1881, one base duplicated (T; older notation c.1881dupT).
Protein change: p.Arg628fs; shifts the reading frame from arginine 628.
Molecular consequence: frameshift variant.
Genome position (GRCh38, 1-based): chr9:77,238,367, T duplicated; the last of 3 consecutive T bases (chr9:77,238,365-77,238,367); duplicating any one gives the same sequence. VCF-style (leftmost placement, unchanged base first): chr9-77238364-A-AT. GRCh37 (hg19) VCF-style: chr9-79853280-A-AT.
Other names: c.1881dup, p.Arg628fs (NM_015186.4, NM_001018037.2, NM_001018038.3); short protein forms R628fs.
Identifiers: ClinVar variation 1070001 (VCV001070001.7), dbSNP rs2131231500, ClinGen allele CA2499219970.